The following is an entry in ClinVar:

ClinVar aggregate classification (germline): Uncertain significance (1 of 4 stars; one submission).

Submission:

Labcorp Genetics (formerly Invitae), Labcorp
Classification: Uncertain significance. Last evaluated: 2021-12-27. Review status: criteria provided, single submitter. Criteria: Invitae Variant Classification Sherloc (09022015). Collection method: clinical testing. Allele origin: germline.
Comment: In summary, the available evidence is currently insufficient to determine the role of this variant in disease. Therefore, it has been classified as a Variant of Uncertain Significance. Advanced modeling of protein sequence and biophysical properties (such as structural, functional, and spatial information, amino acid conservation, physicochemical variation, residue mobility, and thermodynamic stability) performed at Invitae indicates that this missense variant is not expected to disrupt ALPL protein function. This variant has not been reported in the literature in individuals affected with ALPL-related conditions. This variant is not present in population databases (gnomAD no frequency). This sequence change replaces alanine, which is neutral and non-polar, with valine, which is neutral and non-polar, at codon 492 of the ALPL protein (p.Ala492Val).

NM_000478.6(ALPL):c.1475C>T (p.Ala492Val)

Gene: ALPL (alkaline phosphatase, biomineralization associated; plus strand). Cytogenetic location: 1p36.12.
Variant type: single nucleotide variant.
Coding change: c.1475C>T on transcript NM_000478.6 (MANE Select); coding-DNA position 1475, C replaced by T.
Protein change: p.Ala492Val; replaces alanine 492 with valine.
Molecular consequence: missense variant.
Genome position (GRCh38, 1-based): chr1:21,577,548, C>T. VCF-style: chr1-21577548-C-T. GRCh37 (hg19) VCF-style: chr1-21904041-C-T.
Other names: c.1310C>T, p.Ala437Val (NM_001127501.4); c.1244C>T, p.Ala415Val (NM_001177520.3); c.1475C>T, p.Ala492Val (NM_001369803.2, NM_001369804.2, NM_001369805.2); short protein forms A415V, A437V, A492V.
Identifiers: ClinVar variation 2148149 (VCV002148149.4), dbSNP rs2545351485, ClinGen allele CA338882339.
Genomic context (GRCh38, chr1:21,577,548, plus strand): 5'-ACGGCGTCCACGAGCAGAACTACGTCCCCCACGTGATGGCGTATGCAGCCTGCATCGGGG[C>T]CAACCTCGGCCACTGTGCTCCTGCCAGCTCGGCAGGCAGCCTTGCTGCAGGCCCCCTGCT-3'
Protein context (NP_000469.3, residues 482-502): HVMAYAACIG[Ala492Val]NLGHCAPASS